The following is an entry in ClinVar:

ClinVar aggregate classification (germline): Pathogenic (1 of 4 stars; one submission).

Conditions:
Sandhoff disease. Also called: GM2-GANGLIOSIDOSIS, TYPE II; HEXOSAMINIDASES A AND B DEFICIENCY; Beta-hexosaminidase-beta-subunit deficiency; GM2 gangliosidosis, type 2; Total hexosaminidase deficiency; Sandhoff-Jatzkewitz-Pilz disease. Identifiers: Orphanet 796, MedGen C0036161, MONDO:0010006, OMIM 268800.

Submission:

Myriad Genetics, Inc.
Classification: Pathogenic for Sandhoff disease. Last evaluated: 2023-09-27. Review status: criteria provided, single submitter. Criteria: Myriad Autosomal Dominant, Autosomal Recessive and X-Linked Classification Criteria (2023). Collection method: clinical testing. Allele origin: unknown.
Comment: NM_000521.3(HEXB):c.85dupC(L29Pfs*86) is expected to be pathogenic in the context of Sandhoff disease. This variant is predicted to lead to an abnormal or absent protein product due to the creation of a premature termination codon in HEXB, a gene where loss-of-function variants are known to be pathogenic. Please note: this variant was assessed in the context of healthy population screening.

NM_000521.4(HEXB):c.85dup (p.Leu29fs)

Gene: HEXB (hexosaminidase subunit beta; plus strand). Cytogenetic location: 5q13.3.
Variant type: Duplication.
Coding change: c.85dup on transcript NM_000521.4 (MANE Select); coding-DNA position 85, one base duplicated (C; older notation c.85dupC).
Protein change: p.Leu29fs; shifts the reading frame from leucine 29.
Molecular consequence: frameshift variant. On other transcripts: intron variant (1).
Genome position (GRCh38, 1-based): chr5:74,685,345, C duplicated. VCF-style (leftmost placement, unchanged base first): chr5-74685344-G-GC. GRCh37 (hg19) VCF-style: chr5-73981169-G-GC.
Other names: c.-376-3983dup (NM_001292004.2); short protein forms L29fs.
Identifiers: ClinVar variation 5012134 (VCV005012134.1).